The following is an entry in ClinVar:

NM_006662.3(SRCAP):c.8919del (p.Pro2974_Leu2975insTer)

Gene: SRCAP (Snf2 related CREBBP activator protein; plus strand). Cytogenetic location: 16p11.2.
Variant type: Deletion.
Coding change: c.8919del on transcript NM_006662.3 (MANE Select); coding-DNA position 8919, one base deleted (A; older notation c.8919delA).
Protein change: p.Pro2974_Leu2975insTer.
Molecular consequence: frameshift variant.
Genome position (GRCh38, 1-based): chr16:30,738,959, A deleted. VCF-style (leftmost placement, unchanged base first): chr16-30738958-CA-C. GRCh37 (hg19) VCF-style: chr16-30750279-CA-C.
Identifiers: ClinVar variation 817584 (VCV000817584.1), dbSNP rs1596669865, ClinGen allele CA915949240.

ClinVar aggregate classification (germline): Likely pathogenic (1 of 4 stars; one submission).

Submission:

GeneDx
Classification: Likely pathogenic. Last evaluated: 2019-02-06. Review status: criteria provided, single submitter. Criteria: GeneDx Variant Classification (06012015). Collection method: clinical testing. Allele origin: germline. Affected: yes.
Comment: A variant that is likely pathogenic has been identified in the SRCAP gene. The c.8919delA variant has not been published as a pathogenic variant, nor has it been reported as a benign variant to our knowledge. The c.8919delA variant in the SRCAP gene causes a frameshift starting with codon Leucine 2975, and changes this amino acid to a Stop codon residue, denoted p.Leu2975Ter. This variant in the C-terminus is predicted to result in protein truncation, as the last 256 amino acids are lost. The c.8919delA variant is not observed in large population cohorts (Lek et al., 2016). Therefore, this variant is likely pathogenic; however, the possibility that it is benign cannot be excluded.